The following is an entry in ClinVar:

NM_001031689.3(PLAA):c.1445C>T (p.Ser482Leu)

Gene: PLAA (phospholipase A2 activating protein; minus strand). Cytogenetic location: 9p21.2.
Variant type: single nucleotide variant.
Coding change: c.1445C>T on transcript NM_001031689.3 (MANE Select); coding-DNA position 1445, C replaced by T.
Protein change: p.Ser482Leu; replaces serine 482 with leucine.
Molecular consequence: missense variant. On other transcripts: intron variant (1).
Genome position (GRCh38, 1-based): chr9:26,917,138, G>A on the plus strand (C>T on the coding strand, the complement: PLAA is on the minus strand). VCF-style: chr9-26917138-G-A. GRCh37 (hg19) VCF-style: chr9-26917136-G-A.
Other names: c.1445C>T (NM_001031689.2); c.1417+2172C>T (NM_001321546.2); short protein forms S482L.
Identifiers: ClinVar variation 1345698 (VCV001345698.5), dbSNP rs140970730, ClinGen allele CA5014367.
Genomic context (GRCh38, chr9:26,917,138, plus strand): 5'-AATCAAAACTACATCCCACCTGTAAAAGGATCTGCTGTGGGTAGTGTGTTAGAAGATCCC[G>A]AAGAGCCCGGAACATACCGACCACCACCTGTGCATGCAAAATAAAGAAAAGGCAGAAGTG-3'
Protein context (NP_001026859.1, residues 472-492): TGGGRYVPGS[Ser482Leu]GSSNTLPTAD

ClinVar aggregate classification (germline): Conflicting classifications of pathogenicity. Review status: criteria provided, conflicting classifications (1 of 4 stars). 3 submissions from 3 submitters: Uncertain significance (2); Likely benign (1). Last evaluated 2024-12-28.

Conditions:
Inborn genetic diseases. Identifiers: MedGen C0950123, MeSH D030342.

Allele frequency attached by ClinVar (database versions not stated): ESP Exome Variant Server 0.00054; 1000 Genomes Project 0.00060; gnomAD 0.00064 and 0.00067; gnomAD exomes 0.00077 and 0.00081; ExAC 0.00083; TOPMed 0.00084.
gnomAD v4.1: 1,238 of 1,613,864 alleles (0.077%); highest among the groups gnomAD compares: Middle Eastern, 0.43%; 1 homozygote.

Submissions (3):

Ambry Genetics
Classification: Likely benign for Inborn genetic diseases. Last evaluated: 2024-12-28. Review status: criteria provided, single submitter. Criteria: Ambry Variant Classification Scheme 2023. Collection method: clinical testing. Allele origin: germline.

Blueprint Genetics
Classification: Uncertain significance. Last evaluated: 2024-11-26. Review status: criteria provided, single submitter. Criteria: ACMG Guidelines, 2015. Collection method: clinical testing. Allele origin: germline.

Labcorp Genetics (formerly Invitae), Labcorp
Classification: Uncertain significance. Last evaluated: 2022-10-21. Review status: criteria provided, single submitter. Criteria: Invitae Variant Classification Sherloc (09022015). Collection method: clinical testing. Allele origin: germline.
Comment: This sequence change replaces serine, which is neutral and polar, with leucine, which is neutral and non-polar, at codon 482 of the PLAA protein (p.Ser482Leu). This variant is present in population databases (rs140970730, gnomAD 0.1%), and has an allele count higher than expected for a pathogenic variant. This variant has not been reported in the literature in individuals affected with PLAA-related conditions. ClinVar contains an entry for this variant (Variation ID: 1345698). Advanced modeling of protein sequence and biophysical properties (such as structural, functional, and spatial information, amino acid conservation, physicochemical variation, residue mobility, and thermodynamic stability) performed at Invitae indicates that this missense variant is not expected to disrupt PLAA protein function. Algorithms developed to predict the effect of sequence changes on RNA splicing suggest that this variant may disrupt the consensus splice site. In summary, the available evidence is currently insufficient to determine the role of this variant in disease. Therefore, it has been classified as a Variant of Uncertain Significance.